The following is an entry in ClinVar:

ClinVar aggregate classification (germline): Uncertain significance (1 of 4 stars; one submission).

Allele frequency attached by ClinVar (database versions not stated): gnomAD exomes 0.00001 and 0.00002.
gnomAD v4.1: 24 of 1,614,004 alleles (0.0015%); highest among the groups gnomAD compares: Middle Eastern, 0.016%; no homozygotes.

Submission:

Labcorp Genetics (formerly Invitae), Labcorp
Classification: Uncertain significance. Last evaluated: 2024-11-27. Review status: criteria provided, single submitter. Criteria: Invitae Variant Classification Sherloc (09022015). Collection method: clinical testing. Allele origin: germline.
Comment: This sequence change replaces arginine, which is basic and polar, with histidine, which is basic and polar, at codon 768 of the ADAMTS10 protein (p.Arg768His). This variant is present in population databases (no rsID available, gnomAD 0.006%). This variant has not been reported in the literature in individuals affected with ADAMTS10-related conditions. ClinVar contains an entry for this variant (Variation ID: 1477917). An algorithm developed to predict the effect of missense changes on protein structure and function (PolyPhen-2) suggests that this variant is likely to be tolerated. In summary, the available evidence is currently insufficient to determine the role of this variant in disease. Therefore, it has been classified as a Variant of Uncertain Significance.

NM_030957.4(ADAMTS10):c.2303G>A (p.Arg768His)

Gene: ADAMTS10 (ADAM metallopeptidase with thrombospondin type 1 motif 10; minus strand). Cytogenetic location: 19p13.2.
Variant type: single nucleotide variant.
Coding change: c.2303G>A on transcript NM_030957.4 (MANE Select); coding-DNA position 2303, G replaced by A.
Protein change: p.Arg768His; replaces arginine 768 with histidine.
Molecular consequence: missense variant.
Genome position (GRCh38, 1-based): chr19:8,586,658, C>T on the plus strand (G>A on the coding strand, the complement: ADAMTS10 is on the minus strand). VCF-style: chr19-8586658-C-T. GRCh37 (hg19) VCF-style: chr19-8651542-C-T.
Other names: c.764G>A, p.Arg255His (NM_001282352.2); short protein forms R255H, R768H.
Identifiers: ClinVar variation 1477917 (VCV001477917.7), dbSNP rs962019378, ClinGen allele CA304997314.